The following is an entry in ClinVar:

NM_001291415.2(KDM6A):c.211G>A (p.Ala71Thr)

Gene: KDM6A (lysine demethylase 6A; plus strand). Cytogenetic location: Xp11.3.
Variant type: single nucleotide variant.
Coding change: c.211G>A on transcript NM_001291415.2 (MANE Select); coding-DNA position 211, G replaced by A.
Protein change: p.Ala71Thr; replaces alanine 71 with threonine.
Molecular consequence: missense variant. On other transcripts: 5 prime UTR variant (1), non-coding transcript variant (1).
Genome position (GRCh38, 1-based): chrX:44,873,973, G>A. VCF-style: chrX-44873973-G-A. GRCh37 (hg19) VCF-style: chrX-44733219-G-A.
Other names: c.211G>A, p.Ala71Thr (NM_001291416.2, NM_001291417.2, NM_001291418.2 and 9 more transcripts); c.-422G>A (NM_001291421.2); short protein forms A71T.
Identifiers: ClinVar variation 2660367 (VCV002660367.25), dbSNP rs2031158793, ClinGen allele CA413020541.

ClinVar aggregate classification (germline): Uncertain significance. Review status: criteria provided, multiple submitters, no conflicts (2 of 4 stars). 2 submissions from 2 submitters: Uncertain significance (2). Last evaluated 2025-08-29.

Conditions:
Kabuki syndrome 2 (KABUK2). Also called: KDM6A-Related Kabuki Syndrome. Identifiers: Orphanet 2322, MedGen C3275495, MONDO:0010465, OMIM 300867.

Allele frequency attached by ClinVar (database versions not stated): gnomAD exomes below 0.00001; gnomAD 0.00001.
gnomAD v4.1: 2 of 1,209,582 alleles (0.00017%); highest among the groups gnomAD compares: African/African-American, 0.0017%; no homozygotes.

Submissions (2):

Labcorp Genetics (formerly Invitae), Labcorp
Classification: Uncertain significance for Kabuki syndrome 2. Last evaluated: 2025-08-29. Review status: criteria provided, single submitter. Criteria: Invitae Variant Classification Sherloc (09022015). Collection method: clinical testing. Allele origin: germline.
Comment: This sequence change replaces alanine, which is neutral and non-polar, with threonine, which is neutral and polar, at codon 71 of the KDM6A protein (p.Ala71Thr). This variant is not present in population databases (gnomAD no frequency). This variant has not been reported in the literature in individuals affected with KDM6A-related conditions. ClinVar contains an entry for this variant (Variation ID: 2660367). Invitae Evidence Modeling of protein sequence and biophysical properties (such as structural, functional, and spatial information, amino acid conservation, physicochemical variation, residue mobility, and thermodynamic stability) indicates that this missense variant is not expected to disrupt KDM6A protein function with a negative predictive value of 80%. In summary, the available evidence is currently insufficient to determine the role of this variant in disease. Therefore, it has been classified as a Variant of Uncertain Significance.

CeGaT Center for Human Genetics Tuebingen
Classification: Uncertain significance. Last evaluated: 2022-07-01. Review status: criteria provided, single submitter. Criteria: CeGaT Center For Human Genetics Tuebingen Variant Classification Criteria Version 2. Collection method: clinical testing. Allele origin: germline. Affected: yes. Observed: 1 variant allele.